The following is an entry in ClinVar:

NM_018706.7(DHTKD1):c.2285T>C (p.Ile762Thr)

Gene: DHTKD1 (dehydrogenase E1 and transketolase domain containing 1; plus strand). Cytogenetic location: 10p14.
Variant type: single nucleotide variant.
Coding change: c.2285T>C on transcript NM_018706.7 (MANE Select); coding-DNA position 2285, T replaced by C.
Protein change: p.Ile762Thr; replaces isoleucine 762 with threonine.
Molecular consequence: missense variant.
Genome position (GRCh38, 1-based): chr10:12,113,030, T>C. VCF-style: chr10-12113030-T-C. GRCh37 (hg19) VCF-style: chr10-12155029-T-C.
Other names: short protein forms I762T.
Identifiers: ClinVar variation 1445406 (VCV001445406.8), dbSNP rs773205356, ClinGen allele CA5408193.

ClinVar aggregate classification (germline): Uncertain significance (1 of 4 stars; one submission).

Conditions:
2-aminoadipic 2-oxoadipic aciduria (AAKAD). Also called: Aminoadipic aciduria; ALPHA-AMINOADIPIC AND ALPHA-KETOADIPIC ACIDURIA. Identifiers: Orphanet 79154, MedGen C1859817, MONDO:0008774, OMIM 204750.

Allele frequency attached by ClinVar (database versions not stated): gnomAD 0.00001; gnomAD exomes 0.00001; ExAC 0.00002; TOPMed 0.00002.
gnomAD v4.1: 19 of 1,613,254 alleles (0.0012%); highest among the groups gnomAD compares: East Asian, 0.022%; no homozygotes.

Submission:

Labcorp Genetics (formerly Invitae), Labcorp
Classification: Uncertain significance for 2-aminoadipic 2-oxoadipic aciduria. Last evaluated: 2023-08-03. Review status: criteria provided, single submitter. Criteria: Invitae Variant Classification Sherloc (09022015). Collection method: clinical testing. Allele origin: germline.
Comment: This sequence change replaces isoleucine, which is neutral and non-polar, with threonine, which is neutral and polar, at codon 762 of the DHTKD1 protein (p.Ile762Thr). This variant is present in population databases (rs773205356, gnomAD 0.01%). This variant has not been reported in the literature in individuals affected with DHTKD1-related conditions. ClinVar contains an entry for this variant (Variation ID: 1445406). Advanced modeling of protein sequence and biophysical properties (such as structural, functional, and spatial information, amino acid conservation, physicochemical variation, residue mobility, and thermodynamic stability) performed at Invitae indicates that this missense variant is expected to disrupt DHTKD1 protein function. In summary, the available evidence is currently insufficient to determine the role of this variant in disease. Therefore, it has been classified as a Variant of Uncertain Significance.